The following is an entry in ClinVar:

ClinVar aggregate classification (germline): Pathogenic. Review status: criteria provided, single submitter (1 of 4 stars). 3 submissions from 3 submitters: Pathogenic (1). 2 of the submissions do not count toward it. Last evaluated 2021-03-31.

Conditions:
Autosomal recessive Alport syndrome (ATS2). Also called: ALPORT SYNDROME 2, AUTOSOMAL RECESSIVE; COL4A3-Related Nephropathy; Alport syndrome type 2; COL4A4 Alport Syndrome and Thin Basement Membrane Nephropathy. Identifiers: Orphanet 63, Orphanet 88919, MedGen C4746745, MONDO:0008762, OMIM 203780.

Submissions (3):

Labcorp Genetics (formerly Invitae), Labcorp
Classification: Pathogenic. Last evaluated: 2021-03-31. Review status: criteria provided, single submitter. Criteria: Invitae Variant Classification Sherloc (09022015). Collection method: clinical testing. Allele origin: germline.
Comment: For these reasons, this variant has been classified as Pathogenic. This sequence change creates a premature translational stop signal (p.Ser1524*) in the COL4A3 gene. It is expected to result in an absent or disrupted protein product. Loss-of-function variants in COL4A3 are known to be pathogenic (PMID: 8956999, 24854265, 26809805, 27281700). This variant is not present in population databases (ExAC no frequency). This variant has been observed in individual(s) with autosomal recessive Alport syndrome (PMID: 7987301). This variant is also known as Ser86Stop. ClinVar contains an entry for this variant (Variation ID: 17485).

Counsyl
Classification: Likely pathogenic for Autosomal recessive Alport syndrome. Last evaluated: 2018-03-30. Review status: no assertion criteria provided. Collection method: clinical testing. Allele origin: unknown. Not counted in ClinVar's aggregate classification.

OMIM
Classification: Pathogenic for ALPORT SYNDROME 2, AUTOSOMAL RECESSIVE. Last evaluated: 1997-01-01. Review status: no assertion criteria provided. Collection method: literature only. Allele origin: germline. Not counted in ClinVar's aggregate classification.

Literature cited by the submitters: PubMed 8956999 (cited by Labcorp Genetics (formerly Invitae), Labcorp); PubMed 24854265 (cited by Labcorp Genetics (formerly Invitae), Labcorp); PubMed 26809805 (cited by Labcorp Genetics (formerly Invitae), Labcorp); PubMed 27281700 (cited by Labcorp Genetics (formerly Invitae), Labcorp); PubMed 7987301 (cited by 3 submitters); PubMed 25525159 (cited by Counsyl); PubMed 9195222 (cited by OMIM).

NM_000091.5(COL4A3):c.4571C>G (p.Ser1524Ter)

Genes: COL4A3 (collagen type IV alpha 3 chain; plus strand), MFF-DT (MFF divergent transcript; minus strand). Cytogenetic location: 2q36.3.
Variant type: single nucleotide variant.
Coding change: c.4571C>G on transcript NM_000091.5 (MANE Select); coding-DNA position 4571, C replaced by G.
Protein change: p.Ser1524Ter; replaces serine 1524 with a stop codon.
Molecular consequence: nonsense.
Genome position (GRCh38, 1-based): chr2:227,309,007, C>G. VCF-style: chr2-227309007-C-G. GRCh37 (hg19) VCF-style: chr2-228173723-C-G.
Other names: short protein forms S1524*.
Identifiers: ClinVar variation 17485 (VCV000017485.13), dbSNP rs121912825, ClinGen allele CA257970.